The following is an entry in ClinVar:

ClinVar aggregate classification (germline): Uncertain significance. Review status: criteria provided, multiple submitters, no conflicts (2 of 4 stars). 3 submissions from 3 submitters: Uncertain significance (3). Last evaluated 2023-05-12.

Conditions:
Charcot-Marie-Tooth disease type 2. Also called: Charcot-Marie-Tooth type 2. Identifiers: Orphanet 64746, MedGen C0270914, MONDO:0018993.

Allele frequency attached by ClinVar (database versions not stated): ExAC 0.00002; gnomAD exomes below 0.00001; TOPMed 0.00002; ESP Exome Variant Server 0.00008.
gnomAD v4.1: 6 of 1,614,106 alleles (0.00037%); highest among the groups gnomAD compares: Middle Eastern, 0.016%; no homozygotes.

Submissions (3):

Genetic Services Laboratory, University of Chicago
Classification: Uncertain significance. Last evaluated: 2023-05-12. Review status: criteria provided, single submitter. Criteria: ACMG Guidelines, 2015. Collection method: clinical testing. Allele origin: germline. Affected: no.
Comment: DNA sequence analysis of the KIF1B gene demonstrated a sequence change, c.4126C>T, in exon 38 that results in an amino acid change, p.Arg1376Cys. This sequence change does not appear to have been previously described in individuals with KIF1B-related disorders. This sequence change has been described in the gnomAD database with a frequency of 0.0008% in the overall population (dbSNP rs372766200). The p.Arg1376Cys change affects a highly conserved amino acid residue located in a domain of the KIF1B protein that is not known to be functional. The p.Arg1376Cys substitution appears to be deleterious using several in-silico pathogenicity prediction tools (SIFT, Align GVGD, REVEL). Due to insufficient evidence and the lack of functional studies, the clinical significance of the p.Arg1376Cys change remains unknown at this time.

Ambry Genetics
Classification: Uncertain significance. Last evaluated: 2022-11-17. Review status: criteria provided, single submitter. Criteria: Ambry Variant Classification Scheme 2023. Collection method: clinical testing. Allele origin: germline.
Comment: The p.R1376C variant (also known as c.4126C>T), located in coding exon 37 of the KIF1B gene, results from a C to T substitution at nucleotide position 4126. The arginine at codon 1376 is replaced by cysteine, an amino acid with highly dissimilar properties. This amino acid position is conserved. In addition, this alteration is predicted to be deleterious by in silico analysis. Since supporting evidence is limited at this time, the clinical significance of this alteration remains unclear.

Labcorp Genetics (formerly Invitae), Labcorp
Classification: Uncertain significance for Charcot-Marie-Tooth disease type 2. Last evaluated: 2022-03-21. Review status: criteria provided, single submitter. Criteria: Invitae Variant Classification Sherloc (09022015). Collection method: clinical testing. Allele origin: germline.
Comment: This variant has not been reported in the literature in individuals affected with KIF1B-related conditions. Algorithms developed to predict the effect of missense changes on protein structure and function are either unavailable or do not agree on the potential impact of this missense change (SIFT: "Tolerated"; PolyPhen-2: "Possibly Damaging"; Align-GVGD: "Class C0"). In summary, the available evidence is currently insufficient to determine the role of this variant in disease. Therefore, it has been classified as a Variant of Uncertain Significance. This sequence change replaces arginine, which is basic and polar, with cysteine, which is neutral and slightly polar, at codon 1376 of the KIF1B protein (p.Arg1376Cys). The frequency data for this variant in the population databases is considered unreliable, as metrics indicate poor data quality at this position in the gnomAD database.

NM_001365951.3(KIF1B):c.4264C>T (p.Arg1422Cys)

Gene: KIF1B (kinesin family member 1B; plus strand). Cytogenetic location: 1p36.22.
Variant type: single nucleotide variant.
Coding change: c.4264C>T on transcript NM_001365951.3 (MANE Select); coding-DNA position 4264, C replaced by T.
Protein change: p.Arg1422Cys; replaces arginine 1422 with cysteine.
Molecular consequence: missense variant.
Genome position (GRCh38, 1-based): chr1:10,361,785, C>T. VCF-style: chr1-10361785-C-T. GRCh37 (hg19) VCF-style: chr1-10421843-C-T.
Other names: c.4264C>T, p.Arg1422Cys (NM_001365952.1); c.4126C>T, p.Arg1376Cys (NM_015074.3); short protein forms R1422C, R1376C.
Identifiers: ClinVar variation 1907396 (VCV001907396.9), dbSNP rs372766200, ClinGen allele CA582021.